The following is an entry in ClinVar:

NM_000352.6(ABCC8):c.2285A>G (p.Asp762Gly)

Gene: ABCC8 (ATP binding cassette subfamily C member 8; minus strand). Cytogenetic location: 11p15.1.
Variant type: single nucleotide variant.
Coding change: c.2285A>G on transcript NM_000352.6 (MANE Select); coding-DNA position 2285, A replaced by G.
Protein change: p.Asp762Gly; replaces aspartic acid 762 with glycine.
Molecular consequence: missense variant. On other transcripts: non-coding transcript variant (1).
Genome position (GRCh38, 1-based): chr11:17,415,310, T>C on the plus strand (A>G on the coding strand, the complement: ABCC8 is on the minus strand). VCF-style: chr11-17415310-T-C. GRCh37 (hg19) VCF-style: chr11-17436857-T-C.
Other names: c.2288A>G, p.Asp763Gly (NM_001287174.3); c.2351A>G, p.Asp784Gly (NM_001351295.2); c.2285A>G, p.Asp762Gly (NM_001351296.2); c.2282A>G, p.Asp761Gly (NM_001351297.2); short protein forms D761G, D762G, D763G, D784G.
Identifiers: ClinVar variation 1690301 (VCV001690301.1), dbSNP rs771942551, ClinGen allele CA5903221.

ClinVar aggregate classification (germline): Uncertain significance. Review status: criteria provided, single submitter (1 of 4 stars). 2 submissions from 1 submitter: Uncertain significance (2).

Conditions:
Maturity-onset diabetes of the young (MODY). Also called: Maturity onset diabetes mellitus in young. Identifiers: Orphanet 552, MedGen C0342276, MONDO:0018911, HP:0004904.
Transitory neonatal diabetes mellitus. Also called: Transient neonatal diabetes mellitus. Identifiers: MedGen C0342273, MONDO:0020525, HP:0008255.

Allele frequency attached by ClinVar (database versions not stated): gnomAD exomes below 0.00001; ExAC 0.00001.
gnomAD v4.1: 1 of 1,609,966 alleles (0.000062%); highest among the groups gnomAD compares: Non-Finnish European, 0.000085%; no homozygotes.

Submissions (2):

Clinical Genomics, Uppaluri K&H Personalized Medicine Clinic
Classification: Uncertain significance for Maturity-onset diabetes of the young. Review status: criteria provided, single submitter. Criteria: K & H Uppaluri Personalized Medicine Clinic Variant Classification & Assertion Criteria_Updated V.1. Collection method: research. Allele origin: unknown. Inheritance: Somatic mutation.
Comment: Mutations in ABCC8 gene are associated with both neonatal diabetes mellitus as well as MODY. Patients with this mutation may have a better response to sulfonylureas. However, no sufficient evidence is found to ascertain the role of this particular variant ( rs771942551) in MODY yet.

Clinical Genomics, Uppaluri K&H Personalized Medicine Clinic
Classification: Uncertain significance for Transitory neonatal diabetes mellitus. Review status: criteria provided, single submitter. Criteria: K & H Uppaluri Personalized Medicine Clinic Variant Classification & Assertion Criteria_Updated V.1. Collection method: research. Allele origin: unknown. Inheritance: Somatic mutation.
Comment: Mutations in ABCC8 gene are associated with both neonatal diabetes mellitus as well as MODY. Patients with this mutation may have a better response to sulfonylureas. However, no sufficient evidence is found to ascertain the role of this particular variant ( rs771942551) in neonatal diabetes yet.

Literature cited by the submitters: PubMed 16885549; PubMed 21989597; PubMed 27538677; PubMed 18981553; PubMed 32027066; PubMed 16613899; PubMed 18025408; PubMed 32792356.